The following is an entry in ClinVar:

NM_021098.3(CACNA1H):c.3974G>A (p.Arg1325Gln)

Gene: CACNA1H (calcium voltage-gated channel subunit alpha1 H; plus strand). Cytogenetic location: 16p13.3.
Variant type: single nucleotide variant.
Coding change: c.3974G>A on transcript NM_021098.3 (MANE Select); coding-DNA position 3974, G replaced by A.
Protein change: p.Arg1325Gln; replaces arginine 1325 with glutamine.
Molecular consequence: missense variant.
Genome position (GRCh38, 1-based): chr16:1,210,587, G>A. VCF-style: chr16-1210587-G-A. GRCh37 (hg19) VCF-style: chr16-1260587-G-A.
Other names: c.3974G>A, p.Arg1325Gln (NM_001005407.2); short protein forms R1325Q.
Identifiers: ClinVar variation 529613 (VCV000529613.9), dbSNP rs949170696, ClinGen allele CA276667031.

ClinVar aggregate classification (germline): Uncertain significance. Review status: criteria provided, multiple submitters, no conflicts (2 of 4 stars). 4 submissions from 4 submitters: Uncertain significance (4). Last evaluated 2026-04-13.

Conditions:
Idiopathic generalized epilepsy. Also called: Generalised epilepsy; EIG. Identifiers: MedGen C0270850, MONDO:0005579, OMIM 600669.
Hyperaldosteronism, familial, type IV (HALD4). Also called: FH IV; ALDOSTERONISM, PRIMARY, AND HYPERTENSION. Identifiers: Orphanet 642671, MedGen C4310756, MONDO:0014875, OMIM 617027.
Epilepsy, childhood absence, susceptibility to, 6. Identifiers: Orphanet 64280, MedGen C2749872, MONDO:0012763, OMIM 611942.

Allele frequency attached by ClinVar (database versions not stated): gnomAD 0.00009; gnomAD exomes 0.00002; TOPMed 0.00036.
gnomAD v4.1: 38 of 1,608,834 alleles (0.0024%); highest among the groups gnomAD compares: Admixed American, 0.042%; no homozygotes.

Submissions (4):

GeneDx
Classification: Uncertain significance. Last evaluated: 2026-04-13. Review status: criteria provided, single submitter. Criteria: GeneDx Variant Classification Process June 2021. Collection method: clinical testing. Allele origin: germline.
Comment: In silico analysis supports that this missense variant has a deleterious effect on protein structure/function; In silico analysis supports a deleterious effect on splicing; Has not been previously published as pathogenic or benign to our knowledge

Women's Health and Genetics/Laboratory Corporation of America, LabCorp
Classification: Uncertain significance. Last evaluated: 2026-01-12. Review status: criteria provided, single submitter. Criteria: LabCorp Variant Classification Summary - May 2015. Collection method: clinical testing. Allele origin: germline.
Comment: Variant summary: CACNA1H c.3974G>A (p.Arg1325Gln) results in a conservative amino acid change in the encoded protein sequence. Algorithms developed to predict the effect of missense changes on protein structure and function are either unavailable or do not agree on the potential impact of this missense change. The variant allele was found at a frequency of 1.6e-05 in 244642 control chromosomes. The available data on variant occurrences in the general population are insufficient to allow any conclusion about variant significance. To our knowledge, no occurrence of c.3974G>A in individuals affected with CACNA1H-related conditions and no experimental evidence demonstrating its impact on protein function have been reported. ClinVar contains an entry for this variant (Variation ID: 529613). Based on the evidence outlined above, the variant was classified as uncertain significance.

Labcorp Genetics (formerly Invitae), Labcorp
Classification: Uncertain significance for Idiopathic generalized epilepsy; Hyperaldosteronism, familial, type IV. Last evaluated: 2025-12-22. Review status: criteria provided, single submitter. Criteria: Invitae Variant Classification Sherloc (09022015). Collection method: clinical testing. Allele origin: germline.
Comment: This sequence change replaces arginine, which is basic and polar, with glutamine, which is neutral and polar, at codon 1325 of the CACNA1H protein (p.Arg1325Gln). This variant is present in population databases (no rsID available, gnomAD 0.009%). This variant has not been reported in the literature in individuals affected with CACNA1H-related conditions. ClinVar contains an entry for this variant (Variation ID: 529613). Invitae Evidence Modeling of protein sequence and biophysical properties (such as structural, functional, and spatial information, amino acid conservation, physicochemical variation, residue mobility, and thermodynamic stability) has been performed for this missense variant. However, the output from this modeling did not meet the statistical confidence thresholds required to predict the impact of this variant on CACNA1H protein function. In summary, the available evidence is currently insufficient to determine the role of this variant in disease. Therefore, it has been classified as a Variant of Uncertain Significance.

Fulgent Genetics
Classification: Uncertain significance for Epilepsy, childhood absence, susceptibility to, 6; Hyperaldosteronism, familial, type IV. Last evaluated: 2022-02-16. Review status: criteria provided, single submitter. Criteria: ACMG Guidelines, 2015. Collection method: clinical testing. Allele origin: unknown.